The following is an entry in ClinVar:

NM_006343.3(MERTK):c.1669C>T (p.Arg557Trp)

Gene: MERTK (MER proto-oncogene, tyrosine kinase; plus strand). Cytogenetic location: 2q13.
Variant type: single nucleotide variant.
Coding change: c.1669C>T on transcript NM_006343.3 (MANE Select); coding-DNA position 1669, C replaced by T.
Protein change: p.Arg557Trp; replaces arginine 557 with tryptophan.
Molecular consequence: missense variant.
Genome position (GRCh38, 1-based): chr2:112,001,265, C>T. VCF-style: chr2-112001265-C-T. GRCh37 (hg19) VCF-style: chr2-112758842-C-T.
Other names: short protein forms R557W.
Identifiers: ClinVar variation 330760 (VCV000330760.12), dbSNP rs867486301, ClinGen allele CA10611010.

ClinVar aggregate classification (germline): Uncertain significance. Review status: criteria provided, multiple submitters, no conflicts (2 of 4 stars). 3 submissions from 3 submitters: Uncertain significance (3). Last evaluated 2024-11-02.

Conditions:
Retinitis pigmentosa (RP). Identifiers: Orphanet 791, MedGen C0035334, MeSH D012174, MONDO:0019200, OMIM 268000. Inheritance: Autosomal dominant, autosomal recessive and X linked inheritance.

Allele frequency attached by ClinVar (database versions not stated): TOPMed below 0.00001; gnomAD 0.00001 and 0.00003; gnomAD exomes 0.00001.
gnomAD v4.1: 21 of 1,613,590 alleles (0.0013%); highest among the groups gnomAD compares: East Asian, 0.0067%; no homozygotes.

Submissions (3):

Labcorp Genetics (formerly Invitae), Labcorp
Classification: Uncertain significance. Last evaluated: 2024-11-02. Review status: criteria provided, single submitter. Criteria: Invitae Variant Classification Sherloc (09022015). Collection method: clinical testing. Allele origin: germline.
Comment: This sequence change replaces arginine, which is basic and polar, with tryptophan, which is neutral and slightly polar, at codon 557 of the MERTK protein (p.Arg557Trp). This variant is present in population databases (no rsID available, gnomAD 0.003%). This variant has not been reported in the literature in individuals affected with MERTK-related conditions. ClinVar contains an entry for this variant (Variation ID: 330760). Invitae Evidence Modeling of protein sequence and biophysical properties (such as structural, functional, and spatial information, amino acid conservation, physicochemical variation, residue mobility, and thermodynamic stability) has been performed for this missense variant. However, the output from this modeling did not meet the statistical confidence thresholds required to predict the impact of this variant on MERTK protein function. In summary, the available evidence is currently insufficient to determine the role of this variant in disease. Therefore, it has been classified as a Variant of Uncertain Significance.

Blueprint Genetics
Classification: Uncertain significance. Last evaluated: 2023-12-12. Review status: criteria provided, single submitter. Criteria: ACMG Guidelines, 2015. Collection method: clinical testing. Allele origin: germline.

Illumina Laboratory Services, Illumina
Classification: Uncertain significance for Retinitis pigmentosa. Last evaluated: 2018-01-13. Review status: criteria provided, single submitter. Criteria: ICSL Variant Classification Criteria 13 December 2019. Collection method: clinical testing. Allele origin: germline.